The following is an entry in ClinVar:

ClinVar aggregate classification (germline): Uncertain significance (1 of 4 stars; one submission).

Conditions:
Common variable immunodeficiency (CVID). Also called: Common variable hypogamma-globulinemia; Common variable agammaglobulinemia. Identifiers: Orphanet 1572, MedGen C0009447, MONDO:0015517.

Submission:

Labcorp Genetics (formerly Invitae), Labcorp
Classification: Uncertain significance for Common variable immunodeficiency. Last evaluated: 2019-09-08. Review status: criteria provided, single submitter. Criteria: Invitae Variant Classification Sherloc (09022015). Collection method: clinical testing. Allele origin: germline.
Comment: In summary, the available evidence is currently insufficient to determine the role of this variant in disease. Therefore, it has been classified as a Variant of Uncertain Significance. Algorithms developed to predict the effect of missense changes on protein structure and function are either unavailable or do not agree on the potential impact of this missense change (SIFT: "Deleterious"; PolyPhen-2: "Probably Damaging"; Align-GVGD: "Class C0"). This variant has not been reported in the literature in individuals with TNFSF12-related conditions. This variant is not present in population databases (ExAC no frequency). This sequence change replaces arginine with proline at codon 190 of the TNFSF12 protein (p.Arg190Pro). The arginine residue is highly conserved and there is a moderate physicochemical difference between arginine and proline.

NM_003809.3(TNFSF12):c.569G>C (p.Arg190Pro)

Genes: TNFSF12 (TNF superfamily member 12; plus strand), TNFSF12-TNFSF13 (TNFSF12-TNFSF13 readthrough; plus strand). Cytogenetic location: 17p13.1.
Variant type: single nucleotide variant.
Coding change: c.569G>C on transcript NM_003809.3 (MANE Select); coding-DNA position 569, G replaced by C.
Protein change: p.Arg190Pro; replaces arginine 190 with proline.
Molecular consequence: missense variant. On other transcripts: non-coding transcript variant (1), intron variant (1).
Genome position (GRCh38, 1-based): chr17:7,557,169, G>C. VCF-style: chr17-7557169-G-C. GRCh37 (hg19) VCF-style: chr17-7460486-G-C.
Other names: c.498+267G>C (NM_172089.4); short protein forms R190P.
Identifiers: ClinVar variation 954481 (VCV000954481.10), dbSNP rs1191670290, ClinGen allele CA397863154.